The following is an entry in ClinVar:

ClinVar aggregate classification (germline): Pathogenic (1 of 4 stars; one submission).

Conditions:
Osteogenesis imperfecta type I (OI1). Also called: OI, TYPE I; OSTEOGENESIS IMPERFECTA TARDA; OSTEOGENESIS IMPERFECTA WITH BLUE SCLERAE; Osteogenesis imperfecta type 1; Lobstein disease; Classic Non-deforming Osteogenesis Imperfecta with Blue Sclerae. Identifiers: Orphanet 216796, Orphanet 666, MedGen C0023931, MONDO:0008146, OMIM 166200. Disease mechanism: loss of function.

Submission:

Labcorp Genetics (formerly Invitae), Labcorp
Classification: Pathogenic for Osteogenesis imperfecta type I. Last evaluated: 2019-12-30. Review status: criteria provided, single submitter. Criteria: Invitae Variant Classification Sherloc (09022015). Collection method: clinical testing. Allele origin: germline.
Comment: For these reasons, this variant has been classified as Pathogenic. Loss-of-function variants in COL1A1 are known to be pathogenic (PMID: 7942841, 9295084, 9443882). This variant has not been reported in the literature in individuals with COL1A1-related conditions. This variant is not present in population databases (ExAC no frequency). This sequence change creates a premature translational stop signal (p.Gly977Alafs*131) in the COL1A1 gene. It is expected to result in an absent or disrupted protein product.

Literature cited by the submitters: PubMed 7942841; PubMed 9295084; PubMed 9443882.

NM_000088.4(COL1A1):c.2928del (p.Gly977fs)

Gene: COL1A1 (collagen type I alpha 1 chain; minus strand). Cytogenetic location: 17q21.33.
Variant type: Deletion.
Coding change: c.2928del on transcript NM_000088.4 (MANE Select); coding-DNA position 2928, one base deleted (T; older notation c.2928delT).
Protein change: p.Gly977fs; shifts the reading frame from glycine 977.
Molecular consequence: frameshift variant.
Genome position (GRCh38, 1-based): chr17:50,189,177, A deleted on the plus strand (T on the coding strand, the reverse complement: COL1A1 is on the minus strand). VCF-style (leftmost placement, unchanged base first): chr17-50189176-CA-C. GRCh37 (hg19) VCF-style: chr17-48266537-CA-C.
Other names: short protein forms G977fs.
Identifiers: ClinVar variation 851695 (VCV000851695.8), dbSNP rs1906843530, ClinGen allele CA916081129.
Genomic context (GRCh38, chr17:50,189,176, plus strand): 5'-AAGTCCTGTGATGGTTTTTCTCAGGGCCCCCCAAGGTGAGGGGGGCACTTACAGAGGGGC[CA>C]GGAAGACCAGGGAAGCCTCTCTCTCCTCTCTGACCAGGCAGGCCGACCACACCACGCTGT-3'